The following is an entry in ClinVar:

NM_145261.4(DNAJC19):c.281-4A>T

Gene: DNAJC19 (DnaJ heat shock protein family (Hsp40) member C19; minus strand). Cytogenetic location: 3q26.33.
Variant type: single nucleotide variant.
Coding change: c.281-4A>T on transcript NM_145261.4 (MANE Select); 4 bases into the intron before coding-DNA position 281, A replaced by T.
Molecular consequence: intron variant.
Genome position (GRCh38, 1-based): chr3:180,984,714, T>A on the plus strand (A>T on the coding strand, the complement: DNAJC19 is on the minus strand). VCF-style: chr3-180984714-T-A. GRCh37 (hg19) VCF-style: chr3-180702502-T-A.
Other names: c.206-4A>T (NM_001190233.2).
Identifiers: ClinVar variation 3036096 (VCV003036096.2), dbSNP rs1256818835, ClinGen allele CA548508375.

ClinVar aggregate classification (germline): Likely benign (0 of 4 stars; one submission).

Conditions:
DNAJC19-related disorder. Also called: DNAJC19-related condition.

Allele frequency attached by ClinVar (database versions not stated): gnomAD 0.00001.

Submission:

PreventionGenetics, part of Exact Sciences
Classification: Likely benign for DNAJC19-related condition. Last evaluated: 2020-06-10. Review status: no assertion criteria provided. Collection method: clinical testing. Allele origin: germline.
Comment: This variant is classified as likely benign based on ACMG/AMP sequence variant interpretation guidelines (Richards et al. 2015 PMID: 25741868, with internal and published modifications).